The following is an entry in ClinVar:

NM_001278116.2(L1CAM):c.2029C>T (p.Leu677Phe)

Gene: L1CAM (L1 cell adhesion molecule; minus strand). Cytogenetic location: Xq28.
Variant type: single nucleotide variant.
Coding change: c.2029C>T on transcript NM_001278116.2 (MANE Select); coding-DNA position 2029, C replaced by T.
Protein change: p.Leu677Phe; replaces leucine 677 with phenylalanine.
Molecular consequence: missense variant.
Genome position (GRCh38, 1-based): chrX:153,867,464, G>A on the plus strand (C>T on the coding strand, the complement: L1CAM is on the minus strand). VCF-style: chrX-153867464-G-A. GRCh37 (hg19) VCF-style: chrX-153132919-G-A.
Other names: c.2029C>T, p.Leu677Phe (NM_000425.5, NM_024003.3); c.2014C>T, p.Leu672Phe (NM_001143963.2); short protein forms L672F, L677F.
Identifiers: ClinVar variation 2498050 (VCV002498050.1), dbSNP rs2064724578, ClinGen allele CA415121905.
Genomic context (GRCh38, chrX:153,867,464, plus strand): 5'-GGCCATATTTGTTTATGGCAGTAACCCTAAAGGTGTAGTGGACATAGGGCGACAGCTTGA[G>A]GGTGGTAGAGGTCTGGTTCCCTGGAACCTTGCCCAGACTGTACCATTTTTCAGGCGCCAT-3'
Protein context (NP_001265045.1, residues 667-687): KVPGNQTSTT[Leu677Phe]KLSPYVHYTF

ClinVar aggregate classification (germline): Uncertain significance (1 of 4 stars; one submission).

Submission:

GeneDx
Classification: Uncertain significance. Last evaluated: 2022-10-06. Review status: criteria provided, single submitter. Criteria: GeneDx Variant Classification Process June 2021. Collection method: clinical testing. Allele origin: germline. Affected: yes.
Comment: In silico analysis supports that this missense variant has a deleterious effect on protein structure/function; Not observed at significant frequency in large population cohorts (gnomAD); Has not been previously published as pathogenic or benign to our knowledge